The following is an entry in ClinVar:

ClinVar aggregate classification (germline): Uncertain significance (0 of 4 stars; one submission).

Conditions:
BBS10-related disorder. Also called: BBS10-related condition.

Submission:

PreventionGenetics, part of Exact Sciences
Classification: Uncertain significance for BBS10-related condition. Last evaluated: 2024-03-06. Review status: no assertion criteria provided. Collection method: clinical testing. Allele origin: germline.
Comment: The BBS10 c.263T>A variant is predicted to result in the amino acid substitution p.Ile88Asn. To our knowledge, this variant has not been reported in the literature or in a large population database, indicating this variant is rare. At this time, the clinical significance of this variant is uncertain due to the absence of conclusive functional and genetic evidence.

NM_024685.4(BBS10):c.263T>A (p.Ile88Asn)

Gene: BBS10 (Bardet-Biedl syndrome 10; minus strand). Cytogenetic location: 12q21.2.
Variant type: single nucleotide variant.
Coding change: c.263T>A on transcript NM_024685.4 (MANE Select); coding-DNA position 263, T replaced by A.
Protein change: p.Ile88Asn; replaces isoleucine 88 with asparagine.
Molecular consequence: missense variant.
Genome position (GRCh38, 1-based): chr12:76,347,722, A>T on the plus strand (T>A on the coding strand, the complement: BBS10 is on the minus strand). VCF-style: chr12-76347722-A-T. GRCh37 (hg19) VCF-style: chr12-76741502-A-T.
Other names: short protein forms I88N.
Identifiers: ClinVar variation 3349080 (VCV003349080.1).